The following is an entry in ClinVar:

NM_004672.5(MAP3K6):c.3338G>A (p.Arg1113Gln)

Gene: MAP3K6 (mitogen-activated protein kinase kinase kinase 6; minus strand). Cytogenetic location: 1p36.11.
Variant type: single nucleotide variant.
Coding change: c.3338G>A on transcript NM_004672.5 (MANE Select); coding-DNA position 3338, G replaced by A.
Protein change: p.Arg1113Gln; replaces arginine 1113 with glutamine.
Molecular consequence: missense variant.
Genome position (GRCh38, 1-based): chr1:27,357,035, C>T on the plus strand (G>A on the coding strand, the complement: MAP3K6 is on the minus strand). VCF-style: chr1-27357035-C-T. GRCh37 (hg19) VCF-style: chr1-27683526-C-T.
Other names: c.3314G>A, p.Arg1105Gln (NM_001297609.2); short protein forms R1105Q, R1113Q.
Identifiers: ClinVar variation 4549511 (VCV004549511.1).

ClinVar aggregate classification (germline): Uncertain significance (1 of 4 stars; one submission).

gnomAD v4.1: 1 of 1,613,994 alleles (0.000062%); highest among the groups gnomAD compares: Non-Finnish European, 0.000085%; no homozygotes.

Submission:

Ambry Genetics
Classification: Uncertain significance. Last evaluated: 2025-11-24. Review status: criteria provided, single submitter. Criteria: Ambry Variant Classification Scheme 2023. Collection method: clinical testing. Allele origin: germline.
Comment: The c.3338G>A (p.R1113Q) alteration is located in exon 24 (coding exon 24) of the MAP3K6 gene. This alteration results from a G to A substitution at nucleotide position 3338, causing the arginine (R) at amino acid position 1113 to be replaced by a glutamine (Q). Based on data from gnomAD, the A allele has an overall frequency of <0.001% (1/250776) total alleles studied. The highest observed frequency was 0.001% (1/113260) of European (non-Finnish) alleles. Based on insufficient or conflicting evidence, the clinical significance of this alteration remains unclear.